The following is an entry in ClinVar:

ClinVar aggregate classification (germline): Uncertain significance. Review status: criteria provided, multiple submitters, no conflicts (2 of 4 stars). 2 submissions from 2 submitters: Uncertain significance (2). Last evaluated 2022-08-12.

Conditions:
Developmental and epileptic encephalopathy, 42 (DEE42A). Also called: Epileptic encephalopathy, early infantile, 42; DEVELOPMENTAL AND EPILEPTIC ENCEPHALOPATHY 42A; EPILEPTIC ENCEPHALOPATHY, EARLY INFANTILE, 42A. Identifiers: MedGen C4310716, MONDO:0014917, OMIM 617106.

Allele frequency attached by ClinVar (database versions not stated): TOPMed 0.00003.
gnomAD v4.1: 7 of 1,424,764 alleles (0.00049%); highest among the groups gnomAD compares: Admixed American, 0.006%; no homozygotes.

Submissions (2):

Laboratorio de Genetica e Diagnostico Molecular, Hospital Israelita Albert Einstein
Classification: Uncertain significance for Developmental and epileptic encephalopathy, 42. Last evaluated: 2022-08-12. Review status: criteria provided, single submitter. Criteria: ACMG Guidelines, 2015. Collection method: clinical testing. Allele origin: germline. Affected: yes. Observed: 1 variant allele.
Comment: ACMG classification criteria: PM2 moderated, PP2 supporting, BP4 supporting

Athena Diagnostics
Classification: Uncertain significance. Last evaluated: 2018-12-27. Review status: criteria provided, single submitter. Criteria: Athena Diagnostics Criteria. Collection method: clinical testing. Allele origin: germline.

NM_001127222.2(CACNA1A):c.7348C>T (p.Arg2450Cys)

Gene: CACNA1A (calcium voltage-gated channel subunit alpha1 A; minus strand). Cytogenetic location: 19p13.13.
Variant type: single nucleotide variant.
Coding change: c.7348C>T on transcript NM_001127222.2 (MANE Select); coding-DNA position 7348, C replaced by T.
Protein change: p.Arg2450Cys; replaces arginine 2450 with cysteine.
Molecular consequence: missense variant. On other transcripts: 3 prime UTR variant (3).
Genome position (GRCh38, 1-based): chr19:13,207,486, G>A on the plus strand (C>T on the coding strand, the complement: CACNA1A is on the minus strand). VCF-style: chr19-13207486-G-A. GRCh37 (hg19) VCF-style: chr19-13318300-G-A.
Other names: c.*560C>T (NM_000068.4, NM_001127221.2, NM_001174080.2); c.7366C>T, p.Arg2456Cys (NM_023035.3); short protein forms R2456C, R2450C.
Identifiers: ClinVar variation 804612 (VCV000804612.2), dbSNP rs1397153104, ClinGen allele CA404327102.